The following is an entry in ClinVar:

ClinVar aggregate classification (germline): Uncertain significance (1 of 4 stars; one submission).

Conditions:
Melanoma, cutaneous malignant, susceptibility to, 5. Also called: Cutaneous malignant melanoma 5. Identifiers: Orphanet 618, MedGen C2751295, MONDO:0013133, OMIM 613099.

Submission:

Labcorp Genetics (formerly Invitae), Labcorp
Classification: Uncertain significance for Melanoma, cutaneous malignant, susceptibility to, 5. Last evaluated: 2021-09-16. Review status: criteria provided, single submitter. Criteria: Invitae Variant Classification Sherloc (09022015). Collection method: clinical testing. Allele origin: germline.
Comment: This variant has not been reported in the literature in individuals affected with MC1R-related conditions. In summary, the available evidence is currently insufficient to determine the role of this variant in disease. Therefore, it has been classified as a Variant of Uncertain Significance. Algorithms developed to predict the effect of missense changes on protein structure and function (SIFT, PolyPhen-2, Align-GVGD) all suggest that this variant is likely to be tolerated. This variant is not present in population databases (ExAC no frequency). This sequence change replaces alanine with threonine at codon 111 of the MC1R protein (p.Ala111Thr). The alanine residue is moderately conserved and there is a small physicochemical difference between alanine and threonine.

NM_002386.4(MC1R):c.331G>A (p.Ala111Thr)

Gene: MC1R (melanocortin 1 receptor; plus strand). Cytogenetic location: 16q24.3.
Variant type: single nucleotide variant.
Coding change: c.331G>A on transcript NM_002386.4 (MANE Select); coding-DNA position 331, G replaced by A.
Protein change: p.Ala111Thr; replaces alanine 111 with threonine.
Molecular consequence: missense variant.
Genome position (GRCh38, 1-based): chr16:89,919,589, G>A. VCF-style: chr16-89919589-G-A. GRCh37 (hg19) VCF-style: chr16-89985997-G-A.
Other names: short protein forms A111T.
Identifiers: ClinVar variation 1487463 (VCV001487463.6), dbSNP rs2144391623, ClinGen allele CA397460341.